The following is an entry in ClinVar:

NM_015909.4(NBAS):c.4151C>T (p.Ser1384Leu)

Gene: NBAS (NBAS subunit of NRZ tethering complex; minus strand). Cytogenetic location: 2p24.3.
Variant type: single nucleotide variant.
Coding change: c.4151C>T on transcript NM_015909.4 (MANE Select); coding-DNA position 4151, C replaced by T.
Protein change: p.Ser1384Leu; replaces serine 1384 with leucine.
Molecular consequence: missense variant. On other transcripts: non-coding transcript variant (1).
Genome position (GRCh38, 1-based): chr2:15,352,020, G>A on the plus strand (C>T on the coding strand, the complement: NBAS is on the minus strand). VCF-style: chr2-15352020-G-A. GRCh37 (hg19) VCF-style: chr2-15492144-G-A.
Other names: short protein forms S1384L.
Identifiers: ClinVar variation 1921296 (VCV001921296.3), dbSNP rs1237478807, ClinGen allele CA345887696.

ClinVar aggregate classification (germline): Uncertain significance (1 of 4 stars; one submission).

Allele frequency attached by ClinVar (database versions not stated): gnomAD exomes below 0.00001; gnomAD 0.00001; TOPMed 0.00001.
gnomAD v4.1: 6 of 1,611,700 alleles (0.00037%); highest among the groups gnomAD compares: Non-Finnish European, 0.00051%; no homozygotes.

Submission:

Labcorp Genetics (formerly Invitae), Labcorp
Classification: Uncertain significance. Last evaluated: 2022-04-13. Review status: criteria provided, single submitter. Criteria: Invitae Variant Classification Sherloc (09022015). Collection method: clinical testing. Allele origin: germline.
Comment: This variant has not been reported in the literature in individuals affected with NBAS-related conditions. This sequence change replaces serine, which is neutral and polar, with leucine, which is neutral and non-polar, at codon 1384 of the NBAS protein (p.Ser1384Leu). This variant is not present in population databases (gnomAD no frequency). Algorithms developed to predict the effect of missense changes on protein structure and function are either unavailable or do not agree on the potential impact of this missense change (SIFT: "Deleterious"; PolyPhen-2: "Benign"; Align-GVGD: "Class C65"). In summary, the available evidence is currently insufficient to determine the role of this variant in disease. Therefore, it has been classified as a Variant of Uncertain Significance.